The following is an entry in ClinVar:

NM_001244710.2(GFPT1):c.2051A>G (p.Tyr684Cys)

Gene: GFPT1 (glutamine--fructose-6-phosphate transaminase 1; minus strand). Cytogenetic location: 2p13.3.
Variant type: single nucleotide variant.
Coding change: c.2051A>G on transcript NM_001244710.2 (MANE Select); coding-DNA position 2051, A replaced by G.
Protein change: p.Tyr684Cys; replaces tyrosine 684 with cysteine.
Molecular consequence: missense variant.
Genome position (GRCh38, 1-based): chr2:69,326,918, T>C on the plus strand (A>G on the coding strand, the complement: GFPT1 is on the minus strand). VCF-style: chr2-69326918-T-C. GRCh37 (hg19) VCF-style: chr2-69554050-T-C.
Other names: c.1997A>G, p.Tyr666Cys (NM_002056.4); short protein forms Y666C, Y684C.
Identifiers: ClinVar variation 3907843 (VCV003907843.1).

ClinVar aggregate classification (germline): Uncertain significance (1 of 4 stars; one submission).

gnomAD v4.1: 5 of 1,614,070 alleles (0.00031%); highest among the groups gnomAD compares: East Asian, 0.0022%; no homozygotes.

Submission:

GeneDx
Classification: Uncertain significance. Last evaluated: 2024-12-27. Review status: criteria provided, single submitter. Criteria: GeneDx Variant Classification Process June 2021. Collection method: clinical testing. Allele origin: germline. Affected: yes.
Comment: Not observed at significant frequency in large population cohorts (gnomAD); Missense variants in this gene are a common cause of disease and they are underrepresented in the general population; In silico analysis indicates that this missense variant does not alter protein structure/function; Has not been previously published as pathogenic or benign to our knowledge; This variant is associated with the following publications: (PMID: 23569079)